The following is an entry in ClinVar:

NM_015311.3(OBSL1):c.691G>T (p.Glu231Ter)

Gene: OBSL1 (obscurin like cytoskeletal adaptor 1; minus strand). Cytogenetic location: 2q35.
Variant type: single nucleotide variant.
Coding change: c.691G>T on transcript NM_015311.3 (MANE Select); coding-DNA position 691, G replaced by T.
Protein change: p.Glu231Ter; replaces glutamic acid 231 with a stop codon.
Molecular consequence: nonsense.
Genome position (GRCh38, 1-based): chr2:219,570,542, C>A on the plus strand (G>T on the coding strand, the complement: OBSL1 is on the minus strand). VCF-style: chr2-219570542-C-A. GRCh37 (hg19) VCF-style: chr2-220435264-C-A.
Other names: c.691G>T, p.Glu231Ter (NM_001173408.2, NM_001173431.2); short protein forms E231*.
Identifiers: ClinVar variation 2044173 (VCV002044173.4), dbSNP rs530300374, ClinGen allele CA350764310.

ClinVar aggregate classification (germline): Pathogenic (1 of 4 stars; one submission).

Submission:

Labcorp Genetics (formerly Invitae), Labcorp
Classification: Pathogenic. Last evaluated: 2024-10-24. Review status: criteria provided, single submitter. Criteria: Invitae Variant Classification Sherloc (09022015). Collection method: clinical testing. Allele origin: germline.
Comment: This sequence change creates a premature translational stop signal (p.Glu231*) in the OBSL1 gene. It is expected to result in an absent or disrupted protein product. Loss-of-function variants in OBSL1 are known to be pathogenic (PMID: 19481195, 19877176). This variant is not present in population databases (gnomAD no frequency). This variant has not been reported in the literature in individuals affected with OBSL1-related conditions. ClinVar contains an entry for this variant (Variation ID: 2044173). For these reasons, this variant has been classified as Pathogenic.

Literature cited by the submitters: PubMed 19481195; PubMed 19877176.